The following is an entry in ClinVar:

NM_001009944.3(PKD1):c.4979C>G (p.Thr1660Ser)

Gene: PKD1 (polycystin 1, transient receptor potential channel interacting; minus strand). Cytogenetic location: 16p13.3.
Variant type: single nucleotide variant.
Coding change: c.4979C>G on transcript NM_001009944.3 (MANE Select); coding-DNA position 4979, C replaced by G.
Protein change: p.Thr1660Ser; replaces threonine 1660 with serine.
Molecular consequence: missense variant.
Genome position (GRCh38, 1-based): chr16:2,110,188, G>C on the plus strand (C>G on the coding strand, the complement: PKD1 is on the minus strand). VCF-style: chr16-2110188-G-C. GRCh37 (hg19) VCF-style: chr16-2160189-G-C.
Other names: c.4979C>G, p.Thr1660Ser (NM_000296.4); short protein forms T1660S.
Identifiers: ClinVar variation 2506234 (VCV002506234.1), dbSNP rs1163036590, ClinGen allele CA394378673.

ClinVar aggregate classification (germline): Uncertain significance (1 of 4 stars; one submission).

Submission:

Women's Health and Genetics/Laboratory Corporation of America, LabCorp
Classification: Uncertain significance. Last evaluated: 2023-05-24. Review status: criteria provided, single submitter. Criteria: LabCorp Variant Classification Summary - May 2015. Collection method: clinical testing. Allele origin: germline.
Comment: Variant summary: PKD1 c.4979C>G (p.Thr1660Ser) results in a conservative amino acid change located in the PKD domain (IPR000601) of the encoded protein sequence. Three of five in-silico tools predict a benign effect of the variant on protein function. The variant was absent in 248020 control chromosomes (gnomAD). The available data on variant occurrences in the general population are insufficient to allow any conclusion about variant significance. To our knowledge, no occurrence of c.4979C>G in individuals affected with Polycystic Kidney Disease 1 and no experimental evidence demonstrating its impact on protein function have been reported. No clinical diagnostic laboratories have submitted clinical-significance assessments for this variant to ClinVar after 2014. Based on the evidence outlined above, the variant was classified as uncertain significance.